The following is an entry in ClinVar:

NM_000135.4(FANCA):c.3106G>C (p.Val1036Leu)

Gene: FANCA (FA complementation group A; minus strand). Cytogenetic location: 16q24.3.
Variant type: single nucleotide variant.
Coding change: c.3106G>C on transcript NM_000135.4 (MANE Select); coding-DNA position 3106, G replaced by C.
Protein change: p.Val1036Leu; replaces valine 1036 with leucine.
Molecular consequence: missense variant.
Genome position (GRCh38, 1-based): chr16:89,749,863, C>G on the plus strand (G>C on the coding strand, the complement: FANCA is on the minus strand). VCF-style: chr16-89749863-C-G. GRCh37 (hg19) VCF-style: chr16-89816271-C-G.
Other names: c.3106G>C, p.Val1036Leu (NM_001286167.3); short protein forms V1036L.
Identifiers: ClinVar variation 4254278 (VCV004254278.1).
Genomic context (GRCh38, chr16:89,749,863, plus strand): 5'-GCCGTCTGCGGAAAATCTCAAAGAGGAAGTGCTCCTGGGAAGGGGTGTGGCCGAGAGGCA[C>G]TATGAGGTCTTGCTGCAGCTCCAGGTCAGCTACCATCTCCTGAAAAAGAGCAGTATGCTG-3'
Protein context (NP_000126.2, residues 1026-1046): ADLELQQDLI[Val1036Leu]PLGHTPSQEH

ClinVar aggregate classification (germline): Uncertain significance (1 of 4 stars; one submission).

Conditions:
Inborn genetic diseases. Identifiers: MedGen C0950123, MeSH D030342.

Submission:

Ambry Genetics
Classification: Uncertain significance for Inborn genetic diseases. Last evaluated: 2025-08-10. Review status: criteria provided, single submitter. Criteria: Ambry Variant Classification Scheme 2023. Collection method: clinical testing. Allele origin: germline.
Comment: The p.V1036L variant (also known as c.3106G>C), located in coding exon 32 of the FANCA gene, results from a G to C substitution at nucleotide position 3106. The valine at codon 1036 is replaced by leucine, an amino acid with highly similar properties. This amino acid position is conserved. In addition, this alteration is predicted to be tolerated by in silico analysis. Based on the available evidence, the clinical significance of this variant remains unclear.